The following is an entry in ClinVar:

ClinVar aggregate classification (germline): Uncertain significance (1 of 4 stars; one submission).

Conditions:
Inborn genetic diseases. Identifiers: MedGen C0950123, MeSH D030342.

Submission:

Ambry Genetics
Classification: Uncertain significance for Inborn genetic diseases. Last evaluated: 2025-03-08. Review status: criteria provided, single submitter. Criteria: Ambry Variant Classification Scheme 2023. Collection method: clinical testing. Allele origin: germline.
Comment: The p.I315F variant (also known as c.943A>T), located in coding exon 10 of the RTEL1 gene, results from an A to T substitution at nucleotide position 943. The isoleucine at codon 315 is replaced by phenylalanine, an amino acid with highly similar properties. This amino acid position is conserved. In addition, this alteration is predicted to be tolerated by in silico analysis. Based on the available evidence, the clinical significance of this variant remains unclear.

NM_001283009.2(RTEL1):c.943A>T (p.Ile315Phe)

Genes: RTEL1 (regulator of telomere elongation helicase 1; plus strand), RTEL1-TNFRSF6B (RTEL1-TNFRSF6B readthrough (NMD candidate); plus strand). Cytogenetic location: 20q13.33.
Variant type: single nucleotide variant.
Coding change: c.943A>T on transcript NM_001283009.2 (MANE Select); coding-DNA position 943, A replaced by T.
Protein change: p.Ile315Phe; replaces isoleucine 315 with phenylalanine.
Molecular consequence: missense variant. On other transcripts: non-coding transcript variant (1).
Genome position (GRCh38, 1-based): chr20:63,678,168, A>T. VCF-style: chr20-63678168-A-T. GRCh37 (hg19) VCF-style: chr20-62309521-A-T.
Other names: c.274A>T, p.Ile92Phe (NM_001283010.1); c.943A>T, p.Ile315Phe (NM_016434.4); c.1015A>T, p.Ile339Phe (NM_032957.5); short protein forms I315F, I339F, I92F.
Identifiers: ClinVar variation 3791208 (VCV003791208.1).
Genomic context (GRCh38, chr20:63,678,168, plus strand): 5'-TGATGCAGACTGCCTTTGCTGCCTTTCTCTTGCCCAGGGCTGAACATGGAGCTGGAAGAC[A>T]TTGCAAAGCTGAAGAGTAAGTGTTGCCCTCCCCGCCTCCTTGCAGCTGGGTGGGGCCTCC-3'
Protein context (NP_001269938.1, residues 305-325): SPGLNMELED[Ile315Phe]AKLKMILLRL